The following is an entry in ClinVar:

NM_021009.7(UBC):c.735C>G (p.Val245=)

Gene: UBC (ubiquitin C; minus strand). Cytogenetic location: 12q24.31.
Variant type: single nucleotide variant.
Coding change: c.735C>G on transcript NM_021009.7 (MANE Select); coding-DNA position 735, C replaced by G.
Protein change: p.Val245=; no amino-acid change (valine 245 retained).
Molecular consequence: synonymous variant.
Genome position (GRCh38, 1-based): chr12:124,913,037, G>C on the plus strand (C>G on the coding strand, the complement: UBC is on the minus strand). VCF-style: chr12-124913037-G-C. GRCh37 (hg19) VCF-style: chr12-125397583-G-C.
Identifiers: ClinVar variation 4873013 (VCV004873013.2).

ClinVar aggregate classification (germline): Likely benign (1 of 4 stars; one submission).

Submission:

CeGaT Center for Human Genetics Tuebingen
Classification: Likely benign. Last evaluated: 2026-05-01. Review status: criteria provided, single submitter. Criteria: CeGaT Center For Human Genetics Tuebingen Variant Classification Criteria Version 2. Collection method: clinical testing. Allele origin: germline. Affected: yes. Observed: 1 variant allele.
Comment: UBC: BP4, BP7